The following is an entry in ClinVar:

ClinVar aggregate classification (germline): Likely pathogenic (1 of 4 stars; one submission).

Conditions:
Autosomal recessive limb-girdle muscular dystrophy type 2J (LGMDR10). Also called: Limb-girdle muscular dystrophy, type 2J; MUSCULAR DYSTROPHY, LIMB-GIRDLE, AUTOSOMAL RECESSIVE 10. Identifiers: Orphanet 140922, MedGen C1837342, MONDO:0012127, OMIM 608807.
Dilated cardiomyopathy 1G (CMD1G). Identifiers: Orphanet 154, MedGen C1858763, MONDO:0011400, OMIM 604145.

Submission:

Labcorp Genetics (formerly Invitae), Labcorp
Classification: Likely pathogenic for Dilated cardiomyopathy 1G; Autosomal recessive limb-girdle muscular dystrophy type 2J. Last evaluated: 2025-11-03. Review status: criteria provided, single submitter. Criteria: Invitae Variant Classification Sherloc (09022015). Collection method: clinical testing. Allele origin: germline.
Comment: This sequence change affects an acceptor splice site in intron 348 of the TTN gene. It is expected to disrupt RNA splicing and likely results in a truncated or disrupted TTN protein. This variant is not present in population databases (gnomAD no frequency). This variant has not been reported in the literature in individuals affected with TTN-related conditions. ClinVar contains an entry for this variant (Variation ID: 2123661). Algorithms developed to predict the effect of sequence changes on RNA splicing suggest that this variant may disrupt the consensus splice site. This variant is located in the A band of TTN (PMID: 25589632). Truncating variants in this region are significantly overrepresented in patients affected with dilated cardiomyopathy (PMID: 25589632). Truncating variants in this region have also been reported in individuals affected with autosomal recessive centronuclear myopathy (PMID: 23975875). In summary, the currently available evidence indicates that the variant is pathogenic, but additional data are needed to prove that conclusively. Therefore, this variant has been classified as Likely Pathogenic.

Literature cited by the submitters: PubMed 25589632; PubMed 23975875.

NM_001267550.2(TTN):c.97193-2A>C

Genes: TTN-AS1 (TTN antisense RNA 1; plus strand), TTN (titin; minus strand). Cytogenetic location: 2q31.2.
Variant type: single nucleotide variant.
Coding change: c.97193-2A>C on transcript NM_001267550.2 (MANE Select); the canonical splice acceptor site of the intron before coding-DNA position 97193, A replaced by C.
Molecular consequence: splice acceptor variant.
Genome position (GRCh38, 1-based): chr2:178,542,565, T>G on the plus strand (A>C on the coding strand, the complement: TTN is on the minus strand). VCF-style: chr2-178542565-T-G. GRCh37 (hg19) VCF-style: chr2-179407292-T-G.
Other names: c.69998-2A>C (NM_003319.4); c.70574-2A>C (NM_133437.4); c.70373-2A>C (NM_133432.3); c.89489-2A>C (NM_133378.4); c.92270-2A>C (NM_001256850.1).
Identifiers: ClinVar variation 2123661 (VCV002123661.4), dbSNP rs2468894392, ClinGen allele CA349441791.
Genomic context (GRCh38, chr2:178,542,565, plus strand): 5'-AATTGATGTAGCATCAATTTCATCAATCTTAATAGGTCCTGTTGGTGGACCAGGCTTGTC[T>G]ATGAAAGAGAAGAAATACAGGAAATTAATTTTTACTTCAAATCAAAATTGGGTGACTGAA-3'